The following is an entry in ClinVar:

ClinVar aggregate classification (germline): Benign (1 of 4 stars; one submission).

Conditions:
Fanconi anemia complementation group P. Also called: SLX4-Related Fanconi Anemia. Identifiers: Orphanet 84, MedGen C3469542, MONDO:0013499, OMIM 613951.

Allele frequency attached by ClinVar (database versions not stated): gnomAD 0.01604 and 0.01715; 1000 Genomes Project 30x 0.01702; 1000 Genomes Project 0.01817; TOPMed 0.01960.

Submission:

Illumina Laboratory Services, Illumina
Classification: Benign for Fanconi anemia complementation group P. Last evaluated: 2018-01-12. Review status: criteria provided, single submitter. Criteria: ICSL Variant Classification Criteria 13 December 2019. Collection method: clinical testing. Allele origin: germline.
Comment: This variant was observed in the ICSL laboratory as part of a predisposition screen in an ostensibly healthy population. It had not been previously curated by ICSL or reported in the Human Gene Mutation Database (HGMD: prior to June 1st, 2018), and was therefore a candidate for classification through an automated scoring system. Utilizing variant allele frequency, disease prevalence and penetrance estimates, and inheritance mode, an automated score was calculated to assess if this variant is too frequent to cause the disease. Based on the score and internal cut-off values, a variant classified as benign is not then subjected to further curation. The score for this variant resulted in a classification of benign for this disease.

NM_032444.4(SLX4):c.*984C>T

Gene: SLX4 (SLX4 structure-specific endonuclease subunit; minus strand). Cytogenetic location: 16p13.3.
Variant type: single nucleotide variant.
Coding change: c.*984C>T on transcript NM_032444.4 (MANE Select); 984 bases downstream of the stop codon, C replaced by T.
Molecular consequence: 3 prime UTR variant.
Genome position (GRCh38, 1-based): chr16:3,581,358, G>A on the plus strand (C>T on the coding strand, the complement: SLX4 is on the minus strand). VCF-style: chr16-3581358-G-A. GRCh37 (hg19) VCF-style: chr16-3631359-G-A.
Other names: c.*984C>T (LRG_503t1).
Identifiers: ClinVar variation 319125 (VCV000319125.5), dbSNP rs57699393, ClinGen allele CA10648342.
Genomic context (GRCh38, chr16:3,581,358, plus strand): 5'-TCATCTTCCTCCACACTGCTCCTGAGGCTGGAGGCAGCTTTAACCCAAAGAATGGAATCC[G>A]CTAGTGAACATGTTTGTTTTGTGGTGGCATCAGAGTTGTTCTGGGCCCTTGTGCACTGTC-3'